The following is an entry in ClinVar:

ClinVar aggregate classification (germline): Benign/Likely benign. Review status: criteria provided, multiple submitters, no conflicts (2 of 4 stars). 5 submissions from 5 submitters: Benign (3); Likely benign (2). Last evaluated 2026-02-02.

Conditions:
Cenani-Lenz syndactyly syndrome. Also called: CENANI SYNDACTYLISM; SYNDACTYLY, TYPE VII. Identifiers: Orphanet 3258, MedGen C1859309, MONDO:0008931, OMIM 212780.
Congenital myasthenic syndrome 17. Identifiers: Orphanet 590, MedGen C4225377, MONDO:0014578, OMIM 616304.
Sclerosteosis 2 (SOST2). Identifiers: Orphanet 3152, MedGen C3280402, MONDO:0013679, OMIM 614305.

Allele frequency attached by ClinVar (database versions not stated): 1000 Genomes Project 0.02077; 1000 Genomes Project 30x 0.02124; TOPMed 0.02813; gnomAD 0.03153 and 0.03190; ESP Exome Variant Server 0.03154; gnomAD exomes 0.03449; ExAC 0.04222.
gnomAD v4.1: 62,738 of 1,613,212 alleles (3.9%); highest among the groups gnomAD compares: Middle Eastern, 6.4%; 1,459 homozygotes.

Submissions (5):

Labcorp Genetics (formerly Invitae), Labcorp
Classification: Benign for Cenani-Lenz syndactyly syndrome; Sclerosteosis 2; Congenital myasthenic syndrome 17. Last evaluated: 2026-02-02. Review status: criteria provided, single submitter. Criteria: Invitae Variant Classification Sherloc (09022015). Collection method: clinical testing. Allele origin: germline.

GeneDx
Classification: Benign. Last evaluated: 2018-07-31. Review status: criteria provided, single submitter. Criteria: GeneDx Variant Classification Process June 2021. Collection method: clinical testing. Allele origin: germline. Affected: yes.

Mayo Clinic Laboratories, Mayo Clinic
Classification: Benign. Last evaluated: 2017-10-10. Review status: criteria provided, single submitter. Criteria: ACMG Guidelines, 2015. Collection method: clinical testing. Allele origin: germline. Observed: 31 variant alleles.

Illumina Laboratory Services, Illumina
Classification: Likely benign for Cenani-Lenz syndactyly syndrome. Last evaluated: 2017-04-27. Review status: criteria provided, single submitter. Criteria: ICSL Variant Classification Criteria 13 December 2019. Collection method: clinical testing. Allele origin: germline.
Comment: This variant was observed as part of a predisposition screen in an ostensibly healthy population. A literature search was performed for the gene, cDNA change, and amino acid change (where applicable). No publications were found based on this search. Allele frequency data from public databases allowed determination this variant is unlikely to cause disease. Therefore, this variant is classified as likely benign.

Breakthrough Genomics
Classification: Likely benign. Review status: criteria provided, single submitter. Criteria: ACMG Guidelines, 2015. Collection method: not provided. Allele origin: germline. Inheritance: Autosomal recessive inheritance. Affected: yes.

NM_002334.4(LRP4):c.1501A>C (p.Asn501His)

Gene: LRP4 (LDL receptor related protein 4; minus strand). Cytogenetic location: 11p11.2.
Variant type: single nucleotide variant.
Coding change: c.1501A>C on transcript NM_002334.4 (MANE Select); coding-DNA position 1501, A replaced by C.
Protein change: p.Asn501His; replaces asparagine 501 with histidine.
Molecular consequence: missense variant.
Genome position (GRCh38, 1-based): chr11:46,894,628, T>G on the plus strand (A>C on the coding strand, the complement: LRP4 is on the minus strand). VCF-style: chr11-46894628-T-G. GRCh37 (hg19) VCF-style: chr11-46916179-T-G.
Other names: p.Asn501His; short protein forms N501H.
Identifiers: ClinVar variation 304886 (VCV000304886.21), dbSNP rs72897663, ClinGen allele CA5970133.